The following is an entry in ClinVar:

NM_006121.4(KRT1):c.106A>G (p.Thr36Ala)

Gene: KRT1 (keratin 1; minus strand). Cytogenetic location: 12q13.13.
Variant type: single nucleotide variant.
Coding change: c.106A>G on transcript NM_006121.4 (MANE Select); coding-DNA position 106, A replaced by G.
Protein change: p.Thr36Ala; replaces threonine 36 with alanine.
Molecular consequence: missense variant.
Genome position (GRCh38, 1-based): chr12:52,680,243, T>C on the plus strand (A>G on the coding strand, the complement: KRT1 is on the minus strand). VCF-style: chr12-52680243-T-C. GRCh37 (hg19) VCF-style: chr12-53074027-T-C.
Other names: short protein forms T36A.
Identifiers: ClinVar variation 2990617 (VCV002990617.3), dbSNP rs770868243, ClinGen allele CA6586503.
Genomic context (GRCh38, chr12:52,680,243, plus strand): 5'-AGCTACCACCACCACCACCACAGCTTGAAAATCTCCCACCACCTCCTCCACTGCGGCGTG[T>C]GGAGCTGCTGGTGGTCCTGCGCTGGTAGTTGATGATCCCAGCAGAGCCAGAGCTGAAGCC-3'
Protein context (NP_006112.3, residues 26-46): NYQRRTTSSS[Thr36Ala]RRSGGGGGRF

ClinVar aggregate classification (germline): Uncertain significance (1 of 4 stars; one submission).

Allele frequency attached by ClinVar (database versions not stated): gnomAD exomes 0.00001; ExAC 0.00001.
gnomAD v4.1: 3 of 1,614,166 alleles (0.00019%); highest among the groups gnomAD compares: Non-Finnish European, 0.00017%; no homozygotes.

Submission:

Labcorp Genetics (formerly Invitae), Labcorp
Classification: Uncertain significance. Last evaluated: 2025-10-02. Review status: criteria provided, single submitter. Criteria: Invitae Variant Classification Sherloc (09022015). Collection method: clinical testing. Allele origin: germline.
Comment: This sequence change replaces threonine, which is neutral and polar, with alanine, which is neutral and non-polar, at codon 36 of the KRT1 protein (p.Thr36Ala). This variant is present in population databases (rs770868243, gnomAD 0.004%). This variant has not been reported in the literature in individuals affected with KRT1-related conditions. ClinVar contains an entry for this variant (Variation ID: 2990617). Invitae Evidence Modeling of protein sequence and biophysical properties (such as structural, functional, and spatial information, amino acid conservation, physicochemical variation, residue mobility, and thermodynamic stability) indicates that this missense variant is not expected to disrupt KRT1 protein function with a negative predictive value of 95%. In summary, the available evidence is currently insufficient to determine the role of this variant in disease. Therefore, it has been classified as a Variant of Uncertain Significance.